The following is an entry in ClinVar:

ClinVar aggregate classification (germline): Uncertain significance. Review status: criteria provided, multiple submitters, no conflicts (2 of 4 stars). 2 submissions from 2 submitters: Uncertain significance (2). Last evaluated 2025-09-15.

Conditions:
Hereditary cancer-predisposing syndrome. Also called: Tumor predisposition; Neoplastic Syndromes, Hereditary; Hereditary neoplastic syndrome; Hereditary Cancer Syndrome. Identifiers: Orphanet 140162, MedGen C0027672, MeSH D009386, MONDO:0015356.

Submissions (2):

Labcorp Genetics (formerly Invitae), Labcorp
Classification: Uncertain significance. Last evaluated: 2025-09-15. Review status: criteria provided, single submitter. Criteria: Invitae Variant Classification Sherloc (09022015). Collection method: clinical testing. Allele origin: germline.
Comment: This sequence change replaces lysine, which is basic and polar, with arginine, which is basic and polar, at codon 737 of the CTNNA1 protein (p.Lys737Arg). This variant is not present in population databases (gnomAD no frequency). This variant has not been reported in the literature in individuals affected with CTNNA1-related conditions. ClinVar contains an entry for this variant (Variation ID: 850510). Invitae Evidence Modeling of protein sequence and biophysical properties (such as structural, functional, and spatial information, amino acid conservation, physicochemical variation, residue mobility, and thermodynamic stability) indicates that this missense variant is not expected to disrupt CTNNA1 protein function with a negative predictive value of 80%. In summary, the available evidence is currently insufficient to determine the role of this variant in disease. Therefore, it has been classified as a Variant of Uncertain Significance.

Ambry Genetics
Classification: Uncertain significance for Hereditary cancer-predisposing syndrome. Last evaluated: 2024-02-02. Review status: criteria provided, single submitter. Criteria: Ambry Variant Classification Scheme 2023. Collection method: clinical testing. Allele origin: germline.
Comment: The p.K737R variant (also known as c.2210A>G), located in coding exon 15 of the CTNNA1 gene, results from an A to G substitution at nucleotide position 2210. The lysine at codon 737 is replaced by arginine, an amino acid with highly similar properties. This amino acid position is highly conserved in available vertebrate species. In addition, the in silico prediction for this alteration is inconclusive. The evidence for this gene-disease relationship is limited; therefore, the clinical significance of this alteration is unclear.

NM_001903.5(CTNNA1):c.2210A>G (p.Lys737Arg)

Gene: CTNNA1 (catenin alpha 1; plus strand). Cytogenetic location: 5q31.2.
Variant type: single nucleotide variant.
Coding change: c.2210A>G on transcript NM_001903.5 (MANE Select); coding-DNA position 2210, A replaced by G.
Protein change: p.Lys737Arg; replaces lysine 737 with arginine.
Molecular consequence: missense variant.
Genome position (GRCh38, 1-based): chr5:138,930,847, A>G. VCF-style: chr5-138930847-A-G. GRCh37 (hg19) VCF-style: chr5-138266536-A-G.
Other names: c.2210A>G, p.Lys737Arg (NM_001290307.3, NM_001323982.2, NM_001323983.1 and 2 more transcripts); c.1901A>G, p.Lys634Arg (NM_001290309.3); c.1841A>G, p.Lys614Arg (NM_001290310.3); c.1100A>G, p.Lys367Arg (NM_001290312.1, NM_001323987.1, NM_001323988.1 and 17 more transcripts); c.2117A>G, p.Lys706Arg (NM_001323986.2); c.761A>G, p.Lys254Arg (NM_001324006.1, NM_001324007.1, NM_001324008.1 and 2 more transcripts); c.1007A>G, p.Lys336Arg (NM_001324011.1); c.857A>G, p.Lys286Arg (NM_001324012.1, NM_001324013.1); and 1 more; short protein forms K367R, K614R, K737R, K336R, K254R, K286R, K634R, K706R.
Identifiers: ClinVar variation 850510 (VCV000850510.10), dbSNP rs1765148631, ClinGen allele CA361133780.